The following is an entry in ClinVar:

ClinVar aggregate classification (germline): Uncertain significance (1 of 4 stars; one submission).

gnomAD v4.1: 1 of 1,613,698 alleles (0.000062%); highest among the groups gnomAD compares: Non-Finnish European, 0.000085%; no homozygotes.

Submission:

Ambry Genetics
Classification: Uncertain significance. Last evaluated: 2026-09-04. Review status: criteria provided, single submitter. Criteria: Ambry Variant Classification Scheme 2023. Collection method: clinical testing. Allele origin: germline.
Comment: The p.P51T variant (also known as c.151C>A), located in coding exon 1 of the GEN1 gene, results from a C to A substitution at nucleotide position 151. The proline at codon 51 is replaced by threonine, an amino acid with highly similar properties. This amino acid position is conserved. In addition, this alteration is predicted to be deleterious by in silico analysis. Based on the available evidence, the clinical significance of this variant remains unclear.

NM_001130009.3(GEN1):c.151C>A (p.Pro51Thr)

Gene: GEN1 (GEN1 structure-specific endonuclease; plus strand). Cytogenetic location: 2p24.2.
Variant type: single nucleotide variant.
Coding change: c.151C>A on transcript NM_001130009.3 (MANE Select); coding-DNA position 151, C replaced by A.
Protein change: p.Pro51Thr; replaces proline 51 with threonine.
Molecular consequence: missense variant.
Genome position (GRCh38, 1-based): chr2:17,760,094, C>A. VCF-style: chr2-17760094-C-A. GRCh37 (hg19) VCF-style: chr2-17941361-C-A.
Other names: c.151C>A, p.Pro51Thr (NM_182625.5); short protein forms P51T.
Identifiers: ClinVar variation 5022352 (VCV005022352.1).